The following is an entry in ClinVar:

NM_014974.3(DIP2C):c.1484C>T (p.Ala495Val)

Gene: DIP2C (DIP2 acetate--CoA ligase C (putative); minus strand). Cytogenetic location: 10p15.3.
Variant type: single nucleotide variant.
Coding change: c.1484C>T on transcript NM_014974.3 (MANE Select); coding-DNA position 1484, C replaced by T.
Protein change: p.Ala495Val; replaces alanine 495 with valine.
Molecular consequence: missense variant.
Genome position (GRCh38, 1-based): chr10:390,274, G>A on the plus strand (C>T on the coding strand, the complement: DIP2C is on the minus strand). VCF-style: chr10-390274-G-A. GRCh37 (hg19) VCF-style: chr10-436214-G-A.
Other names: short protein forms A495V.
Identifiers: ClinVar variation 3610726 (VCV003610726.2).

ClinVar aggregate classification (germline): Uncertain significance (1 of 4 stars; one submission).

gnomAD v4.1: 19 of 1,613,866 alleles (0.0012%); highest among the groups gnomAD compares: Admixed American, 0.005%; no homozygotes.

Submission:

Labcorp Genetics (formerly Invitae), Labcorp
Classification: Uncertain significance. Last evaluated: 2024-12-10. Review status: criteria provided, single submitter. Criteria: Invitae Variant Classification Sherloc (09022015). Collection method: clinical testing. Allele origin: germline.
Comment: This sequence change replaces alanine, which is neutral and non-polar, with valine, which is neutral and non-polar, at codon 495 of the DIP2C protein (p.Ala495Val). This variant is present in population databases (rs370308829, gnomAD 0.007%). This variant has not been reported in the literature in individuals affected with DIP2C-related conditions. An algorithm developed to predict the effect of missense changes on protein structure and function (PolyPhen-2) suggests that this variant is likely to be disruptive. In summary, the available evidence is currently insufficient to determine the role of this variant in disease. Therefore, it has been classified as a Variant of Uncertain Significance.